The following is an entry in ClinVar:

ClinVar aggregate classification (germline): Uncertain significance. Review status: criteria provided, multiple submitters, no conflicts (2 of 4 stars). 4 submissions from 4 submitters: Uncertain significance (4). Last evaluated 2025-10-27.

Conditions:
Early-onset Parkinson disease 20. Also called: PARKINSON DISEASE 20, AUTOSOMAL RECESSIVE EARLY-ONSET. Identifiers: Orphanet 391411, MedGen C3809824, MONDO:0014233, OMIM 615530.
Developmental and epileptic encephalopathy, 53. Also called: Epileptic encephalopathy, early infantile, 53. Identifiers: MedGen C4479313, MONDO:0033362, OMIM 617389.
Inborn genetic diseases. Identifiers: MedGen C0950123, MeSH D030342.

Allele frequency attached by ClinVar (database versions not stated): gnomAD exomes below 0.00001; TOPMed below 0.00001; gnomAD 0.00001.
gnomAD v4.1: 5 of 1,612,884 alleles (0.00031%); highest among the groups gnomAD compares: Admixed American, 0.005%; no homozygotes.

Submissions (4):

Labcorp Genetics (formerly Invitae), Labcorp
Classification: Uncertain significance for Developmental and epileptic encephalopathy, 53; Early-onset Parkinson disease 20. Last evaluated: 2025-10-27. Review status: criteria provided, single submitter. Criteria: Invitae Variant Classification Sherloc (09022015). Collection method: clinical testing. Allele origin: germline.
Comment: This sequence change replaces isoleucine, which is neutral and non-polar, with threonine, which is neutral and polar, at codon 968 of the SYNJ1 protein (p.Ile968Thr). This variant is present in population databases (rs755258923, gnomAD 0.003%). This variant has not been reported in the literature in individuals affected with SYNJ1-related conditions. ClinVar contains an entry for this variant (Variation ID: 544559). Invitae Evidence Modeling of protein sequence and biophysical properties (such as structural, functional, and spatial information, amino acid conservation, physicochemical variation, residue mobility, and thermodynamic stability) indicates that this missense variant is not expected to disrupt SYNJ1 protein function with a negative predictive value of 80%. In summary, the available evidence is currently insufficient to determine the role of this variant in disease. Therefore, it has been classified as a Variant of Uncertain Significance.

Mayo Clinic Laboratories, Mayo Clinic
Classification: Uncertain significance. Last evaluated: 2025-07-02. Review status: criteria provided, single submitter. Criteria: ACMG Guidelines, 2015. Collection method: clinical testing. Allele origin: germline. Observed: 1 variant allele.

Ambry Genetics
Classification: Uncertain significance for Inborn genetic diseases. Last evaluated: 2024-05-08. Review status: criteria provided, single submitter. Criteria: Ambry Variant Classification Scheme 2023. Collection method: clinical testing. Allele origin: germline.

GeneDx
Classification: Uncertain significance. Last evaluated: 2022-06-21. Review status: criteria provided, single submitter. Criteria: GeneDx Variant Classification Process June 2021. Collection method: clinical testing. Allele origin: germline. Affected: yes.
Comment: Not observed at significant frequency in large population cohorts (gnomAD); In silico analysis supports that this missense variant has a deleterious effect on protein structure/function; Has not been previously published as pathogenic or benign to our knowledge

NM_203446.3(SYNJ1):c.2786T>C (p.Ile929Thr)

Gene: SYNJ1 (synaptojanin 1; minus strand). Cytogenetic location: 21q22.11.
Variant type: single nucleotide variant.
Coding change: c.2786T>C on transcript NM_203446.3 (MANE Select); coding-DNA position 2786, T replaced by C.
Protein change: p.Ile929Thr; replaces isoleucine 929 with threonine.
Molecular consequence: missense variant.
Genome position (GRCh38, 1-based): chr21:32,656,696, A>G on the plus strand (T>C on the coding strand, the complement: SYNJ1 is on the minus strand). VCF-style: chr21-32656696-A-G. GRCh37 (hg19) VCF-style: chr21-34029006-A-G.
Other names: p.Ile968Thr; c.2786T>C, p.Ile929Thr (NM_001160302.2); c.2771T>C, p.Ile924Thr (NM_001160306.2); c.2903T>C, p.Ile968Thr (NM_003895.4); short protein forms I968T, I929T, I924T.
Identifiers: ClinVar variation 544559 (VCV000544559.9), dbSNP rs755258923, ClinGen allele CA10003594.